The following is an entry in ClinVar:

NM_001042492.3(NF1):c.7816_7819del (p.Asp2606fs)

Gene: NF1 (neurofibromin 1; plus strand). Cytogenetic location: 17q11.2.
Variant type: Deletion.
Coding change: c.7816_7819del on transcript NM_001042492.3 (MANE Select); coding-DNA positions 7816 to 7819, 4 bases deleted (GATG; older notation c.7816_7819delGATG).
Protein change: p.Asp2606fs; shifts the reading frame from aspartic acid 2606.
Molecular consequence: frameshift variant.
Genome position (GRCh38, 1-based): chr17:31,357,037-31,357,040, GATG deleted; deleting any 4 consecutive bases within chr17:31,357,035-31,357,040 gives the same sequence; the c. name uses the placement nearest the transcript's 3' end. VCF-style (leftmost placement, unchanged base first): chr17-31357034-TTGGA-T. GRCh37 (hg19) VCF-style: chr17-29684052-TTGGA-T.
Other names: c.7753_7756delGATG, p.Asp2585Lysfs (NM_000267.4); short protein forms D2606fs, D2585fs.
Identifiers: ClinVar variation 2021239 (VCV002021239.4), dbSNP rs2508827628, ClinGen allele CA2580093452.
Genomic context (GRCh38, chr17:31,357,034, plus strand): 5'-TCCTCATCACAACAGCACCCACATTTACGTAAAGTTTCAGTGTCTGAATCAAATGTTCTC[TTGGA>T]TGAAGAAGTACTTACTGATCCGAAGATCCAGGCGCTGCTTCTTACTGTTCTAGTAAGGAT-3'

ClinVar aggregate classification (germline): Pathogenic (1 of 4 stars; one submission).

Conditions:
Neurofibromatosis, type 1 (NF1). Also called: NEUROFIBROMATOSIS, TYPE I, SOMATIC; Neurofibromatosis, type I; Peripheral type neurofibromatosis; VON RECKLINGHAUSEN DISEASE. Identifiers: Orphanet 636, MedGen C0027831, MONDO:0018975, OMIM 162200. Disease mechanism: loss of function.

Submission:

Labcorp Genetics (formerly Invitae), Labcorp
Classification: Pathogenic for Neurofibromatosis, type 1. Last evaluated: 2022-08-05. Review status: criteria provided, single submitter. Criteria: Invitae Variant Classification Sherloc (09022015). Collection method: clinical testing. Allele origin: germline.
Comment: For these reasons, this variant has been classified as Pathogenic. This variant has not been reported in the literature in individuals affected with NF1-related conditions. This variant is not present in population databases (gnomAD no frequency). This sequence change creates a premature translational stop signal (p.Asp2585Lysfs*17) in the NF1 gene. It is expected to result in an absent or disrupted protein product. Loss-of-function variants in NF1 are known to be pathogenic (PMID: 10712197, 23913538).

Literature cited by the submitters: PubMed 10712197; PubMed 23913538.